The following is an entry in ClinVar:

ClinVar aggregate classification (germline): Conflicting classifications of pathogenicity. Review status: criteria provided, conflicting classifications (1 of 4 stars). 2 submissions from 2 submitters: Uncertain significance (1); Likely benign (1). Last evaluated 2025-11-23.

Conditions:
Inborn genetic diseases. Identifiers: MedGen C0950123, MeSH D030342.

Allele frequency attached by ClinVar (database versions not stated): TOPMed below 0.00001.

Submissions (2):

Ambry Genetics
Classification: Likely benign for Inborn genetic diseases. Last evaluated: 2025-11-23. Review status: criteria provided, single submitter. Criteria: Ambry Variant Classification Scheme 2023. Collection method: clinical testing. Allele origin: germline.

Labcorp Genetics (formerly Invitae), Labcorp
Classification: Uncertain significance. Last evaluated: 2022-08-06. Review status: criteria provided, single submitter. Criteria: Invitae Variant Classification Sherloc (09022015). Collection method: clinical testing. Allele origin: germline.
Comment: This sequence change replaces methionine, which is neutral and non-polar, with isoleucine, which is neutral and non-polar, at codon 179 of the TYR protein (p.Met179Ile). This variant is present in population databases (no rsID available, gnomAD 0.02%). This variant has not been reported in the literature in individuals affected with TYR-related conditions. Advanced modeling of protein sequence and biophysical properties (such as structural, functional, and spatial information, amino acid conservation, physicochemical variation, residue mobility, and thermodynamic stability) performed at Invitae indicates that this missense variant is not expected to disrupt TYR protein function. In summary, the available evidence is currently insufficient to determine the role of this variant in disease. Therefore, it has been classified as a Variant of Uncertain Significance.

NM_000372.5(TYR):c.537G>T (p.Met179Ile)

Gene: TYR (tyrosinase; plus strand). Cytogenetic location: 11q14.3.
Variant type: single nucleotide variant.
Coding change: c.537G>T on transcript NM_000372.5 (MANE Select); coding-DNA position 537, G replaced by T.
Protein change: p.Met179Ile; replaces methionine 179 with isoleucine.
Molecular consequence: missense variant.
Genome position (GRCh38, 1-based): chr11:89,178,490, G>T. VCF-style: chr11-89178490-G-T. GRCh37 (hg19) VCF-style: chr11-88911658-G-T.
Other names: c.537G>T (NM_000372.4); short protein forms M179I.
Identifiers: ClinVar variation 1917790 (VCV001917790.3), dbSNP rs1413966492, ClinGen allele CA382034617.